The following is an entry in ClinVar:

ClinVar aggregate classification (germline): Uncertain significance (1 of 4 stars; one submission).

Conditions:
Emery-Dreifuss muscular dystrophy (EDMD). Also called: Scapuloperoneal syndrome, X-linked (formerly); Humeroperoneal neuromuscular disease, (formerly). Identifiers: MedGen C0410189, MONDO:0016830, Orphanet 261.

Submission:

Labcorp Genetics (formerly Invitae), Labcorp
Classification: Uncertain significance for Emery-Dreifuss muscular dystrophy. Last evaluated: 2023-04-12. Review status: criteria provided, single submitter. Criteria: Invitae Variant Classification Sherloc (09022015). Collection method: clinical testing. Allele origin: unknown.
Comment: In summary, the available evidence is currently insufficient to determine the role of this variant in disease. Therefore, it has been classified as a Variant of Uncertain Significance. Experimental studies and prediction algorithms are not available or were not evaluated, and the functional significance of this variant is currently unknown. This variant has not been reported in the literature in individuals affected with SUN1-related conditions. This variant results in a copy number gain of the genomic region encompassing exon(s) 1 of the SUN1 gene. This region includes the initiator codon of the gene. This copy number gain extends beyond the assayed region for this gene and therefore may encompass additional genes. As the precise location of this event is unknown, it may be in tandem or it may be located elsewhere in the genome.

NC_000007.13:g.(?_872162)_(872258_?)dup

Gene: SUN1 (Sad1 and UNC84 domain containing 1; plus strand). Cytogenetic location: 7p22.3.
Variant type: Duplication.
Identifiers: ClinVar variation 3245726 (VCV003245726.1).